The following is an entry in ClinVar:

NC_000009.12:g.136378050T>C

Genes: CARD9 (caspase recruitment domain family member 9; minus strand), SNAPC4 (small nuclear RNA activating complex polypeptide 4; minus strand). Cytogenetic location: 9q34.3.
Variant type: single nucleotide variant.
Molecular consequence: synonymous variant (on NM_003086.4).
Genome position: GRCh38 VCF-style: chr9-136378050-T-C. GRCh37 (hg19) VCF-style: chr9-139272502-T-C.
Other names: c.3777A>G, p.Leu1259= (NM_001394201.1, NM_003086.4); c.3693A>G, p.Leu1231= (NM_001394202.1, NM_001394203.1).
Identifiers: ClinVar variation 402490 (VCV000402490.6), dbSNP rs3812565, ClinGen allele CA5333551.

ClinVar aggregate classification (germline): Benign. Review status: criteria provided, multiple submitters, no conflicts (2 of 4 stars). 2 submissions from 2 submitters: Benign (2). Last evaluated 2016-03-29.

Allele frequency attached by ClinVar (database versions not stated): ESP Exome Variant Server 0.31558; gnomAD 0.36047 and 0.36400; gnomAD exomes 0.38136 and 0.37174; 1000 Genomes Project 30x 0.33479; TOPMed 0.36292; 1000 Genomes Project 0.32788.
gnomAD v4.1: 596,945 of 1,576,956 alleles (38%); highest among the groups gnomAD compares: Admixed American, 51%; 115,843 homozygotes.

Submissions (2):

Laboratory for Molecular Medicine, Mass General Brigham Personalized Medicine
Classification: Benign. Last evaluated: 2016-03-29. Review status: criteria provided, single submitter. Criteria: LMM Criteria. Collection method: clinical testing. Allele origin: germline.
Comment: Variant identified in a genome or exome case(s) and assessed due to predicted null impact of the variant or pathogenic assertions in the literature or databases. Disclaimer: This variant has not undergone full assessment. The following are preliminary notes: MAF

Breakthrough Genomics
Classification: Benign. Review status: criteria provided, single submitter. Criteria: ACMG Guidelines, 2015. Collection method: not provided. Allele origin: germline. Inheritance: Unknown mechanism. Affected: yes.